The following is an entry in ClinVar:

ClinVar aggregate classification (germline): Uncertain significance (1 of 4 stars; one submission).

gnomAD v4.1: 18 of 1,613,622 alleles (0.0011%); highest among the groups gnomAD compares: Middle Eastern, 0.033%; no homozygotes.

Submission:

Labcorp Genetics (formerly Invitae), Labcorp
Classification: Uncertain significance. Last evaluated: 2022-02-10. Review status: criteria provided, single submitter. Criteria: Invitae Variant Classification Sherloc (09022015). Collection method: clinical testing. Allele origin: germline.
Comment: This sequence change replaces arginine, which is basic and polar, with serine, which is neutral and polar, at codon 306 of the CDCA7 protein (p.Arg306Ser). This variant is present in population databases (rs763027787, gnomAD 0.03%). This variant has not been reported in the literature in individuals affected with CDCA7-related conditions. Algorithms developed to predict the effect of missense changes on protein structure and function are either unavailable or do not agree on the potential impact of this missense change (SIFT: "Tolerated"; PolyPhen-2: "Possibly Damaging"; Align-GVGD: "Class C0"). In summary, the available evidence is currently insufficient to determine the role of this variant in disease. Therefore, it has been classified as a Variant of Uncertain Significance.

NM_031942.5(CDCA7):c.916C>A (p.Arg306Ser)

Gene: CDCA7 (cell division cycle associated 7; plus strand). Cytogenetic location: 2q31.1.
Variant type: single nucleotide variant.
Coding change: c.916C>A on transcript NM_031942.5 (MANE Select); coding-DNA position 916, C replaced by A.
Protein change: p.Arg306Ser; replaces arginine 306 with serine.
Molecular consequence: missense variant.
Genome position (GRCh38, 1-based): chr2:173,365,473, C>A. VCF-style: chr2-173365473-C-A. GRCh37 (hg19) VCF-style: chr2-174230201-C-A.
Other names: c.679C>A, p.Arg227Ser (NM_145810.3); short protein forms R227S, R306S.
Identifiers: ClinVar variation 1379872 (VCV001379872.5), dbSNP rs763027787, ClinGen allele CA1971387.
Genomic context (GRCh38, chr2:173,365,473, plus strand): 5'-AGTTTTGAAGTTCTGTGTTTTGTATTCCTTGTAATGCAGGAAGATGACCTGCCCAGAAGC[C>A]GTCGCTCCAGATCATCCGTGACCCTTCCGCATATAATTCGCCCAGTGGAAGAAATTACAG-3'
Protein context (NP_114148.3, residues 296-316): YMNEDDLPRS[Arg306Ser]RSRSSVTLPH